The following is an entry in ClinVar:

NM_000038.6(APC):c.531+3A>C

Gene: APC (APC regulator of Wnt signaling pathway; plus strand). Cytogenetic location: 5q22.2.
Variant type: single nucleotide variant.
Coding change: c.531+3A>C on transcript NM_000038.6 (MANE Select); 3 bases into the intron after coding-DNA position 531, A replaced by C.
Molecular consequence: intron variant.
Genome position (GRCh38, 1-based): chr5:112,775,740, A>C. VCF-style: chr5-112775740-A-C. GRCh37 (hg19) VCF-style: chr5-112111437-A-C.
Other names: c.531+3A>C (NM_001354895.2, NM_001127510.3, NM_001354896.2 and 2 more transcripts); c.561+3A>C (NM_001354897.2, NM_001354902.2, NM_001127511.3); c.456+3A>C (NM_001354898.2, NM_001354904.2); c.-505+3A>C (NM_001354906.2); c.354+3A>C (NM_001354900.2, NM_001354901.2, NM_001354905.2).
Identifiers: ClinVar variation 428099 (VCV000428099.19), dbSNP rs1114167550, ClinGen allele CA645369352.
Genomic context (GRCh38, chr5:112,775,740, plus strand): 5'-TTACGCTCAACTTCAGAATCTCACTAAAAGAATAGATAGTCTTCCTTTAACTGAAAATGT[A>C]AGTAACTTGGCAGTACAACTTATTTGAAACTTTAATAACTTGATATTTTAAAGTACCTAG-3'

ClinVar aggregate classification (germline): Pathogenic. Review status: criteria provided, multiple submitters, no conflicts (2 of 4 stars). 3 submissions from 3 submitters: Pathogenic (3). Last evaluated 2026-04-05.

Conditions:
Hereditary cancer-predisposing syndrome. Also called: Hereditary Cancer Syndrome; Tumor predisposition; Hereditary neoplastic syndrome; Neoplastic Syndromes, Hereditary. Identifiers: Orphanet 140162, MedGen C0027672, MeSH D009386, MONDO:0015356.
Familial adenomatous polyposis 1 (FAP1). Also called: FAMILIAL ADENOMATOUS POLYPOSIS 1, ATTENUATED; POLYPOSIS, ADENOMATOUS INTESTINAL. Identifiers: MedGen C2713442, MONDO:0021056, OMIM 175100. Disease mechanism: loss of function.

Allele frequency attached by ClinVar (database versions not stated): TOPMed below 0.00001.

Submissions (3):

Ambry Genetics
Classification: Pathogenic for Hereditary cancer-predisposing syndrome. Last evaluated: 2026-04-05. Review status: criteria provided, single submitter. Criteria: Ambry Variant Classification Scheme 2023. Collection method: clinical testing. Allele origin: germline.
Comment: The c.531+3A>C intronic variant consists of an A to C substitution 3 nucleotides after exon 5 (coding exon 4) of the APC gene. This variant was not reported in population-based cohorts in the Genome Aggregation Database (gnomAD). This alteration has been observed in multiple individuals who have a personal or family history that is consistent with APC-associated disease (Ambry internal data; Armstrong, 1997; Kerr, 2013). This nucleotide position is well conserved in available vertebrate species. RNA studies have demonstrated that this alteration results in abnormal splicing in the set of samples tested (Ambry internal data). In silico splice site analysis predicts that this alteration will weaken the native splice donor site. Based on the available evidence, this alteration is classified as pathogenic.

Labcorp Genetics (formerly Invitae), Labcorp
Classification: Pathogenic for Familial adenomatous polyposis 1. Last evaluated: 2024-11-18. Review status: criteria provided, single submitter. Criteria: Invitae Variant Classification Sherloc (09022015). Collection method: clinical testing. Allele origin: germline.
Comment: This sequence change falls in intron 5 of the APC gene. It does not directly change the encoded amino acid sequence of the APC protein. It affects a nucleotide within the consensus splice site. This variant is not present in population databases (gnomAD no frequency). This variant has been observed in individuals with familial adenomatous polyposis (PMID: 9375853, 23159591; internal data). ClinVar contains an entry for this variant (Variation ID: 428099). Variants that disrupt the consensus splice site are a relatively common cause of aberrant splicing (PMID: 17576681, 9536098). Algorithms developed to predict the effect of sequence changes on RNA splicing suggest that this variant may disrupt the consensus splice site. For these reasons, this variant has been classified as Pathogenic.

Myriad Genetics, Inc.
Classification: Pathogenic for Familial adenomatous polyposis 1. Last evaluated: 2023-04-27. Review status: criteria provided, single submitter. Criteria: Myriad Autosomal Dominant, Autosomal Recessive and X-Linked Classification Criteria (2023). Collection method: clinical testing. Allele origin: unknown.
Comment: This variant is considered pathogenic. mRNA analysis has demonstrated abnormal mRNA splicing occurs [PMID: 12010888, 15131404].

Literature cited by the submitters: PubMed 9375853 (cited by Ambry Genetics and Labcorp Genetics (formerly Invitae), Labcorp); PubMed 23159591 (cited by Ambry Genetics and Labcorp Genetics (formerly Invitae), Labcorp); PubMed 17576681 (cited by Labcorp Genetics (formerly Invitae), Labcorp); PubMed 9536098 (cited by Labcorp Genetics (formerly Invitae), Labcorp); PubMed 12010888 (cited by Myriad Genetics, Inc.); PubMed 15131404 (cited by Myriad Genetics, Inc.).